The following is an entry in ClinVar:

NM_018706.7(DHTKD1):c.728G>T (p.Arg243Leu)

Gene: DHTKD1 (dehydrogenase E1 and transketolase domain containing 1; plus strand). Cytogenetic location: 10p14.
Variant type: single nucleotide variant.
Coding change: c.728G>T on transcript NM_018706.7 (MANE Select); coding-DNA position 728, G replaced by T.
Protein change: p.Arg243Leu; replaces arginine 243 with leucine.
Molecular consequence: missense variant.
Genome position (GRCh38, 1-based): chr10:12,088,996, G>T. VCF-style: chr10-12088996-G-T. GRCh37 (hg19) VCF-style: chr10-12130995-G-T.
Other names: c.728G>T (NM_018706.5); short protein forms R243L.
Identifiers: ClinVar variation 1055736 (VCV001055736.10), dbSNP rs781779430, ClinGen allele CA5407639.
Genomic context (GRCh38, chr10:12,088,996, plus strand): 5'-CTCCATTGTGATGAATGCCATTTTTTTCCTTTTGAATGTATCCACAATAGCTGATGTTCC[G>T]TAAAATGCGAGGCTTAAGTGAATTTCCAGAGAATTTCTCAGCCACTGGAGACGTCCTGTC-3'
Protein context (NP_061176.4, residues 233-253): LLQFPPELMF[Arg243Leu]KMRGLSEFPE

ClinVar aggregate classification (germline): Uncertain significance. Review status: criteria provided, multiple submitters, no conflicts (2 of 4 stars). 2 submissions from 2 submitters: Uncertain significance (2). Last evaluated 2024-06-16.

Conditions:
Inborn genetic diseases. Identifiers: MedGen C0950123, MeSH D030342.
2-aminoadipic 2-oxoadipic aciduria (AAKAD). Also called: ALPHA-AMINOADIPIC AND ALPHA-KETOADIPIC ACIDURIA; Aminoadipic aciduria. Identifiers: Orphanet 79154, MedGen C1859817, MONDO:0008774, OMIM 204750.

Submissions (2):

Ambry Genetics
Classification: Uncertain significance for Inborn genetic diseases. Last evaluated: 2024-06-16. Review status: criteria provided, single submitter. Criteria: Ambry Variant Classification Scheme 2023. Collection method: clinical testing. Allele origin: germline.

Labcorp Genetics (formerly Invitae), Labcorp
Classification: Uncertain significance for 2-aminoadipic 2-oxoadipic aciduria. Last evaluated: 2023-12-02. Review status: criteria provided, single submitter. Criteria: Invitae Variant Classification Sherloc (09022015). Collection method: clinical testing. Allele origin: germline.
Comment: This sequence change replaces arginine, which is basic and polar, with leucine, which is neutral and non-polar, at codon 243 of the DHTKD1 protein (p.Arg243Leu). This variant is present in population databases (rs781779430, gnomAD 0.007%). This variant has not been reported in the literature in individuals affected with DHTKD1-related conditions. ClinVar contains an entry for this variant (Variation ID: 1055736). An algorithm developed to predict the effect of missense changes on protein structure and function (PolyPhen-2) suggests that this variant is likely to be disruptive. In summary, the available evidence is currently insufficient to determine the role of this variant in disease. Therefore, it has been classified as a Variant of Uncertain Significance.